The following is an entry in ClinVar:

NM_006005.3(WFS1):c.1800C>T (p.Thr600=)

Gene: WFS1 (wolframin ER transmembrane glycoprotein; plus strand). Cytogenetic location: 4p16.1.
Variant type: single nucleotide variant.
Coding change: c.1800C>T on transcript NM_006005.3 (MANE Select); coding-DNA position 1800, C replaced by T.
Protein change: p.Thr600=; no amino-acid change (threonine 600 retained).
Molecular consequence: synonymous variant.
Genome position (GRCh38, 1-based): chr4:6,301,595, C>T. VCF-style: chr4-6301595-C-T. GRCh37 (hg19) VCF-style: chr4-6303322-C-T.
Other names: p.T600T:ACC>ACT; p.Thr600=; c.1800C>T, p.Thr600= (NM_001145853.1).
Identifiers: ClinVar variation 137916 (VCV000137916.34), dbSNP rs71524362, ClinGen allele CA295576.
Genomic context (GRCh38, chr4:6,301,595, plus strand): 5'-GGGCGTGCTGCAGTTCGCCCGGTGGTTCACGTCTCTGGAGCTCACCAAGATCGCAGTCAC[C>T]GTGGCGGTCTGTAGTGTGCCCCTGCTGTTGCGCTGGTGGACCAAGGCCAGCTTCTCTGTG-3'
Protein context (NP_005996.2, residues 590-610): TSLELTKIAV[Thr600=]VAVCSVPLLL

ClinVar aggregate classification (germline): Benign. Review status: criteria provided, multiple submitters, no conflicts (2 of 4 stars). 12 submissions from 11 submitters: Benign (9). 3 of the submissions do not count toward it. Last evaluated 2026-02-01.

Conditions:
WFS1-Related Spectrum Disorders.
Autosomal dominant nonsyndromic hearing loss 6 (LFSNHL). Also called: Autosomal dominant nonsyndromic deafness 6; DIDMOAD (Diabetes Insipidus, Diabetes Mellitus, Optic Atrophy, and Deafness); DEAFNESS, AUTOSOMAL DOMINANT 6; DEAFNESS, AUTOSOMAL DOMINANT 14; DEAFNESS, AUTOSOMAL DOMINANT 38. Identifiers: Orphanet 90635, MedGen C1833021, MONDO:0010963, OMIM 600965.
Wolfram syndrome 1 (WFS1). Identifiers: Orphanet 3463, MedGen C4551693, MONDO:0009101, OMIM 222300.

Allele frequency attached by ClinVar (database versions not stated): 1000 Genomes Project 0.01058; gnomAD 0.01070; TOPMed 0.01122; 1000 Genomes Project 30x 0.01171; ESP Exome Variant Server 0.01246.
gnomAD v4.1: 3,504 of 1,614,148 alleles (0.22%); highest among the groups gnomAD compares: African/African-American, 3.6%; 55 homozygotes.

Submissions (12):

Labcorp Genetics (formerly Invitae), Labcorp
Classification: Benign. Last evaluated: 2026-02-01. Review status: criteria provided, single submitter. Criteria: Invitae Variant Classification Sherloc (09022015). Collection method: clinical testing. Allele origin: germline.

Mayo Clinic Laboratories, Mayo Clinic
Classification: Benign. Last evaluated: 2023-12-20. Review status: criteria provided, single submitter. Criteria: ACMG Guidelines, 2015. Collection method: clinical testing. Allele origin: germline. Observed: 5 variant alleles.
Comment: BA1, BS1, BS2, BP4, BP7

ARUP Laboratories, Molecular Genetics and Genomics, ARUP Laboratories
Classification: Benign. Last evaluated: 2022-03-23. Review status: criteria provided, single submitter. Criteria: ARUP Molecular Germline Variant Investigation Process 2021. Collection method: clinical testing. Allele origin: germline.

Illumina Laboratory Services, Illumina
Classification: Benign for WFS1-Related Spectrum Disorders. Last evaluated: 2018-01-13. Review status: criteria provided, single submitter. Criteria: ICSL Variant Classification Criteria 13 December 2019. Collection method: clinical testing. Allele origin: germline.
Comment: This variant was observed in the ICSL laboratory as part of a predisposition screen in an ostensibly healthy population. It had not been previously curated by ICSL or reported in the Human Gene Mutation Database (HGMD: prior to June 1st, 2018), and was therefore a candidate for classification through an automated scoring system. Utilizing variant allele frequency, disease prevalence and penetrance estimates, and inheritance mode, an automated score was calculated to assess if this variant is too frequent to cause the disease. Based on the score and internal cut-off values, a variant classified as benign is not then subjected to further curation. The score for this variant resulted in a classification of benign for this disease.

Illumina Laboratory Services, Illumina
Classification: Benign for Autosomal dominant nonsyndromic hearing loss 6. Last evaluated: 2018-01-13. Review status: criteria provided, single submitter. Criteria: ICSL Variant Classification Criteria 13 December 2019. Collection method: clinical testing. Allele origin: germline.
Comment: the same text as in the submission from Illumina Laboratory Services, Illumina above.

GeneDx
Classification: Benign. Last evaluated: 2013-01-29. Review status: criteria provided, single submitter. Criteria: GeneDx Variant Classification (06012015). Collection method: clinical testing. Allele origin: germline. Affected: yes.
Comment: This variant is considered likely benign or benign based on one or more of the following criteria: it is a conservative change, it occurs at a poorly conserved position in the protein, it is predicted to be benign by multiple in silico algorithms, and/or has population frequency not consistent with disease.

Laboratory for Molecular Medicine, Mass General Brigham Personalized Medicine
Classification: Benign. Last evaluated: 2012-05-07. Review status: criteria provided, single submitter. Criteria: LMM Criteria. Collection method: clinical testing. Allele origin: germline. Observed: 15 variant alleles.
Comment: "Thr600Thr in Exon 08 of WFS1: This variant is not expected to have clinical sig nificance because it does not alter an amino acid residue, is not located within the splice consensus sequence, and has been identified in 3.3% (124/3738) of Af rican American chromosomes from a broad population by the NHLBI Exome Sequencing Project (dbSNP rs71524362)."

Breakthrough Genomics
Classification: Benign. Review status: criteria provided, single submitter. Criteria: ACMG Guidelines, 2015. Collection method: not provided. Allele origin: germline. Inheritance: Autosomal recessive inheritance. Affected: yes.

Clinical Genomics, Uppaluri K&H Personalized Medicine Clinic
Classification: Benign for Wolfram syndrome 1. Review status: criteria provided, single submitter. Criteria: K & H Uppaluri Personalized Medicine Clinic Variant Classification & Assertion Criteria_Updated V.1. Collection method: research. Allele origin: unknown. Inheritance: Autosomal recessive inheritance.
Comment: Potent mutations in WFS1 gene are associated with Wolfram's syndrome, an autosomal recessive condition, which cause diabetes mellitus, diabetes insipidus, deafness and optic atrophy. However no sufficient evidence is found to ascertain the role of this particular variant rs71524362 in Wolfram's syndrome yet.

Clinical Genetics DNA and cytogenetics Diagnostics Lab, Erasmus MC, Erasmus Medical Center
Classification: Likely benign. Review status: no assertion criteria provided. Collection method: clinical testing. Allele origin: germline. Affected: yes. Study: VKGL Data-share Consensus. Not counted in ClinVar's aggregate classification.

Joint Genome Diagnostic Labs from Nijmegen and Maastricht, Radboudumc and MUMC+
Classification: Benign. Review status: no assertion criteria provided. Collection method: clinical testing. Allele origin: germline. Affected: yes. Study: VKGL Data-share Consensus. Not counted in ClinVar's aggregate classification.

Laboratory of Diagnostic Genome Analysis, Leiden University Medical Center (LUMC)
Classification: Likely benign. Review status: no assertion criteria provided. Collection method: clinical testing. Allele origin: germline. Affected: yes. Study: VKGL Data-share Consensus. Not counted in ClinVar's aggregate classification.

Literature cited by the submitters: PubMed 20738327 (cited by Clinical Genomics, Uppaluri K&H Personalized Medicine Clinic); PubMed 33879153 (cited by Clinical Genomics, Uppaluri K&H Personalized Medicine Clinic); PubMed 12955714 (cited by Clinical Genomics, Uppaluri K&H Personalized Medicine Clinic); PubMed 18060660 (cited by Clinical Genomics, Uppaluri K&H Personalized Medicine Clinic); PubMed 20301750 (cited by Clinical Genomics, Uppaluri K&H Personalized Medicine Clinic); PubMed 17603484 (cited by Clinical Genomics, Uppaluri K&H Personalized Medicine Clinic).